The following is an entry in ClinVar:

ClinVar aggregate classification (germline): Benign/Likely benign. Review status: criteria provided, multiple submitters, no conflicts (2 of 4 stars). 3 submissions from 3 submitters: Benign (1); Likely benign (2). Last evaluated 2024-10-25.

Conditions:
Birt-Hogg-Dube syndrome. Also called: Birt Hogg Dubé syndrome. Identifiers: Orphanet 122, MedGen C0346010, MONDO:0800444.
Birt-Hogg-Dube syndrome 1 (BHD1). Also called: FIBROFOLLICULOMAS WITH TRICHODISCOMAS AND ACROCHORDONS. Identifiers: Orphanet 122, MedGen CN375946, MONDO:0800445, OMIM 135150.
Hereditary cancer-predisposing syndrome. Also called: Neoplastic Syndromes, Hereditary; Hereditary neoplastic syndrome; Tumor predisposition; Hereditary Cancer Syndrome. Identifiers: Orphanet 140162, MedGen C0027672, MeSH D009386, MONDO:0015356.

Submissions (3):

Myriad Genetics, Inc.
Classification: Benign for Birt-Hogg-Dube syndrome 1. Last evaluated: 2024-10-25. Review status: criteria provided, single submitter. Criteria: Myriad Autosomal Dominant, Autosomal Recessive and X-Linked Classification Criteria (2023). Collection method: clinical testing. Allele origin: unknown.
Comment: This variant is considered benign. This variant is a silent/synonymous amino acid change and it is not expected to impact splicing.

Labcorp Genetics (formerly Invitae), Labcorp
Classification: Likely benign for Birt-Hogg-Dube syndrome. Last evaluated: 2024-06-06. Review status: criteria provided, single submitter. Criteria: Invitae Variant Classification Sherloc (09022015). Collection method: clinical testing. Allele origin: germline.

Ambry Genetics
Classification: Likely benign for Hereditary cancer-predisposing syndrome. Last evaluated: 2020-06-03. Review status: criteria provided, single submitter. Criteria: Ambry Variant Classification Scheme 2023. Collection method: clinical testing. Allele origin: germline.

NM_144997.7(FLCN):c.1485G>C (p.Leu495=)

Gene: FLCN (folliculin; minus strand). Cytogenetic location: 17p11.2.
Variant type: single nucleotide variant.
Coding change: c.1485G>C on transcript NM_144997.7 (MANE Select); coding-DNA position 1485, G replaced by C.
Protein change: p.Leu495=; no amino-acid change (leucine 495 retained).
Molecular consequence: synonymous variant.
Genome position (GRCh38, 1-based): chr17:17,215,038, C>G on the plus strand (G>C on the coding strand, the complement: FLCN is on the minus strand). VCF-style: chr17-17215038-C-G. GRCh37 (hg19) VCF-style: chr17-17118352-C-G.
Other names: c.1539G>C, p.Leu513= (NM_001353229.2); c.1485G>C, p.Leu495= (NM_001353230.2, NM_001353231.2).
Identifiers: ClinVar variation 1138944 (VCV001138944.10), dbSNP rs1597578819, ClinGen allele CA498421043.